The following is an entry in ClinVar:

NM_014921.5(ADGRL1):c.2432G>A (p.Trp811Ter)

Genes: ADGRL1 (adhesion G protein-coupled receptor L1; minus strand), ADGRL1-AS1 (ADGRL1 antisense RNA 1; plus strand). Cytogenetic location: 19p13.12.
Variant type: single nucleotide variant.
Coding change: c.2432G>A on transcript NM_014921.5 (MANE Select); coding-DNA position 2432, G replaced by A.
Protein change: p.Trp811Ter; replaces tryptophan 811 with a stop codon.
Molecular consequence: nonsense.
Genome position (GRCh38, 1-based): chr19:14,157,985, C>T on the plus strand (G>A on the coding strand, the complement: ADGRL1 is on the minus strand). VCF-style: chr19-14157985-C-T. GRCh37 (hg19) VCF-style: chr19-14268797-C-T.
Other names: c.2447G>A, p.Trp816Ter (NM_001008701.3); short protein forms W811*, W816*.
Identifiers: ClinVar variation 4891479 (VCV004891479.1).

ClinVar aggregate classification (germline): Uncertain significance (1 of 4 stars; one submission).

Submission:

GeneDx
Classification: Uncertain significance. Last evaluated: 2024-05-17. Review status: criteria provided, single submitter. Criteria: GeneDx Variant Classification Process June 2021. Collection method: clinical testing. Allele origin: germline.
Comment: Not observed at significant frequency in large population cohorts (gnomAD); Nonsense variant predicted to result in protein truncation or nonsense mediated decay in a gene or region of a gene for which loss of function is not a well-established mechanism of disease; Has not been previously published as pathogenic or benign to our knowledge; Variants in candidate genes are classified as variants of uncertain significance in accordance with ACMG guidelines (PMID: 25741868)